The following is an entry in ClinVar:

NM_006206.6(PDGFRA):c.1741C>T (p.Pro581Ser)

Gene: PDGFRA (platelet derived growth factor receptor alpha; plus strand). Cytogenetic location: 4q12.
Variant type: single nucleotide variant.
Coding change: c.1741C>T on transcript NM_006206.6 (MANE Select); coding-DNA position 1741, C replaced by T.
Protein change: p.Pro581Ser; replaces proline 581 with serine.
Molecular consequence: missense variant.
Genome position (GRCh38, 1-based): chr4:54,274,928, C>T. VCF-style: chr4-54274928-C-T. GRCh37 (hg19) VCF-style: chr4-55141095-C-T.
Other names: c.1741C>T, p.Pro581Ser (NM_001347827.2, NM_001347829.2); c.1816C>T, p.Pro606Ser (NM_001347828.2); c.1780C>T, p.Pro594Ser (NM_001347830.2); short protein forms P581S, P594S, P606S.
Identifiers: ClinVar variation 3305484 (VCV003305484.1).

ClinVar aggregate classification (germline): Uncertain significance (1 of 4 stars; one submission).

Conditions:
Hereditary cancer-predisposing syndrome. Also called: Tumor predisposition; Hereditary Cancer Syndrome; Hereditary neoplastic syndrome; Neoplastic Syndromes, Hereditary. Identifiers: Orphanet 140162, MedGen C0027672, MeSH D009386, MONDO:0015356.

gnomAD v4.1: 1 of 1,613,966 alleles (0.000062%); highest among the groups gnomAD compares: African/African-American, 0.0013%; no homozygotes.

Submission:

Ambry Genetics
Classification: Uncertain significance for Hereditary cancer-predisposing syndrome. Last evaluated: 2024-05-29. Review status: criteria provided, single submitter. Criteria: Ambry Variant Classification Scheme 2023. Collection method: clinical testing. Allele origin: germline.
Comment: The p.P581S variant (also known as c.1741C>T), located in coding exon 11 of the PDGFRA gene, results from a C to T substitution at nucleotide position 1741. The proline at codon 581 is replaced by serine, an amino acid with similar properties. This alteration was identified in an individual diagnosed with ovarian cancer (Fu K et al. Sci Rep, 2024 Mar;14:6702). This amino acid position is highly conserved in available vertebrate species. In addition, this alteration is predicted to be deleterious by in silico analysis. Based on the available evidence, the clinical significance of this variant remains unclear.

Literature cited by the submitters: PubMed 38509102.